The following is an entry in ClinVar:

ClinVar aggregate classification (germline): Pathogenic (1 of 4 stars; one submission).

Conditions:
Bloom syndrome (BLM). Also called: Bloom-Torre-Machacek syndrome. Identifiers: Orphanet 125, MedGen C0005859, MONDO:0008876, OMIM 210900.

Allele frequency attached by ClinVar (database versions not stated): ExAC 0.00001.

Submission:

Labcorp Genetics (formerly Invitae), Labcorp
Classification: Pathogenic for Bloom syndrome. Last evaluated: 2025-12-09. Review status: criteria provided, single submitter. Criteria: Invitae Variant Classification Sherloc (09022015). Collection method: clinical testing. Allele origin: germline.
Comment: This sequence change creates a premature translational stop signal (p.Glu976*) in the BLM gene. It is expected to result in an absent or disrupted protein product. Loss-of-function variants in BLM are known to be pathogenic (PMID: 17407155). This variant is present in population databases (rs780890722, gnomAD 0.006%). This variant has not been reported in the literature in individuals affected with BLM-related conditions. ClinVar contains an entry for this variant (Variation ID: 2072432). Algorithms developed to predict the effect of sequence changes on RNA splicing suggest that this variant may disrupt the consensus splice site. For these reasons, this variant has been classified as Pathogenic.

Literature cited by the submitters: PubMed 17407155.

NM_000057.4(BLM):c.2926G>T (p.Glu976Ter)

Gene: BLM (BLM RecQ like helicase; plus strand). Cytogenetic location: 15q26.1.
Variant type: single nucleotide variant.
Coding change: c.2926G>T on transcript NM_000057.4 (MANE Select); coding-DNA position 2926, G replaced by T.
Protein change: p.Glu976Ter; replaces glutamic acid 976 with a stop codon.
Molecular consequence: nonsense.
Genome position (GRCh38, 1-based): chr15:90,790,751, G>T. VCF-style: chr15-90790751-G-T. GRCh37 (hg19) VCF-style: chr15-91333981-G-T.
Other names: c.2926G>T, p.Glu976Ter (NM_001287246.2, NM_001287247.2); c.1801G>T, p.Glu601Ter (NM_001287248.2); short protein forms E601*, E976*.
Identifiers: ClinVar variation 2072432 (VCV002072432.4), dbSNP rs780890722, ClinGen allele CA7738898.